The following is an entry in ClinVar:

NM_006303.4(AIMP2):c.885G>A (p.Val295=)

Genes: AIMP2 (aminoacyl tRNA synthetase complex interacting multifunctional protein 2; plus strand), EIF2AK1 (eukaryotic translation initiation factor 2 alpha kinase 1; minus strand). Cytogenetic location: 7p22.1.
Variant type: single nucleotide variant.
Coding change: c.885G>A on transcript NM_006303.4 (MANE Select); coding-DNA position 885, G replaced by A.
Protein change: p.Val295=; no amino-acid change (valine 295 retained).
Molecular consequence: synonymous variant. On other transcripts: 3 prime UTR variant (2).
Genome position (GRCh38, 1-based): chr7:6,023,613, G>A. VCF-style: chr7-6023613-G-A. GRCh37 (hg19) VCF-style: chr7-6063244-G-A.
Other names: c.*1060C>T (NM_001134335.2, NM_014413.4); c.765G>A, p.Val255= (NM_001326606.2); c.678G>A, p.Val226= (NM_001326607.2); c.651G>A, p.Val217= (NM_001326609.2, NM_001326610.2, NM_001326611.3); c.798G>A, p.Val266= (NM_001362785.2); c.753G>A, p.Val251= (NM_001362787.2).
Identifiers: ClinVar variation 3778555 (VCV003778555.7).

ClinVar aggregate classification (germline): Likely benign (1 of 4 stars; one submission).

gnomAD v4.1: 3 of 1,614,218 alleles (0.00019%); highest among the groups gnomAD compares: Non-Finnish European, 0.00025%; no homozygotes.

Submission:

CeGaT Center for Human Genetics Tuebingen
Classification: Likely benign. Last evaluated: 2025-03-01. Review status: criteria provided, single submitter. Criteria: CeGaT Center For Human Genetics Tuebingen Variant Classification Criteria Version 2. Collection method: clinical testing. Allele origin: germline. Affected: yes. Observed: 1 variant allele.
Comment: AIMP2: BP4, BP7